The following is an entry in ClinVar:

ClinVar aggregate classification (germline): Uncertain significance (1 of 4 stars; one submission).

Conditions:
Landau-Kleffner syndrome (FESD). Also called: EPILEPSY, FOCAL, WITH SPEECH DISORDER AND WITH OR WITHOUT MENTAL RETARDATION; APHASIA, ACQUIRED, WITH EPILEPSY. Identifiers: Orphanet 1945, Orphanet 725, Orphanet 98818, MedGen C0282512, MONDO:0009509, OMIM 245570.

Submission:

Labcorp Genetics (formerly Invitae), Labcorp
Classification: Uncertain significance for Landau-Kleffner syndrome. Last evaluated: 2022-06-14. Review status: criteria provided, single submitter. Criteria: Invitae Variant Classification Sherloc (09022015). Collection method: clinical testing. Allele origin: germline.
Comment: This sequence change replaces aspartic acid, which is acidic and polar, with valine, which is neutral and non-polar, at codon 1421 of the GRIN2A protein (p.Asp1421Val). This variant is not present in population databases (gnomAD no frequency). This variant has not been reported in the literature in individuals affected with GRIN2A-related conditions. Advanced modeling of protein sequence and biophysical properties (such as structural, functional, and spatial information, amino acid conservation, physicochemical variation, residue mobility, and thermodynamic stability) performed at Invitae indicates that this missense variant is not expected to disrupt GRIN2A protein function. In summary, the available evidence is currently insufficient to determine the role of this variant in disease. Therefore, it has been classified as a Variant of Uncertain Significance.

NM_001134407.3(GRIN2A):c.4262A>T (p.Asp1421Val)

Gene: GRIN2A (glutamate ionotropic receptor NMDA type subunit 2A; minus strand). Cytogenetic location: 16p13.2.
Variant type: single nucleotide variant.
Coding change: c.4262A>T on transcript NM_001134407.3 (MANE Select); coding-DNA position 4262, A replaced by T.
Protein change: p.Asp1421Val; replaces aspartic acid 1421 with valine.
Molecular consequence: missense variant. On other transcripts: 3 prime UTR variant (1).
Genome position (GRCh38, 1-based): chr16:9,763,282, T>A on the plus strand (A>T on the coding strand, the complement: GRIN2A is on the minus strand). VCF-style: chr16-9763282-T-A. GRCh37 (hg19) VCF-style: chr16-9857139-T-A.
Other names: c.4262A>T, p.Asp1421Val (NM_000833.5); c.*73A>T (NM_001134408.2); short protein forms D1421V.
Identifiers: ClinVar variation 2006712 (VCV002006712.4), dbSNP rs2505960382, ClinGen allele CA394705502.